The following is an entry in ClinVar:

NM_000051.4(ATM):c.1148C>G (p.Pro383Arg)

Gene: ATM (ATM serine/threonine kinase; plus strand). Cytogenetic location: 11q22.3.
Variant type: single nucleotide variant.
Coding change: c.1148C>G on transcript NM_000051.4 (MANE Select); coding-DNA position 1148, C replaced by G.
Protein change: p.Pro383Arg; replaces proline 383 with arginine.
Molecular consequence: missense variant.
Genome position (GRCh38, 1-based): chr11:108,249,015, C>G. VCF-style: chr11-108249015-C-G. GRCh37 (hg19) VCF-style: chr11-108119742-C-G.
Other names: c.1148C>G, p.Pro383Arg (NM_001351834.2); short protein forms P383R.
Identifiers: ClinVar variation 524314 (VCV000524314.7), dbSNP rs1555069702, ClinGen allele CA382532481.

ClinVar aggregate classification (germline): Uncertain significance (1 of 4 stars; one submission).

Conditions:
Ataxia-telangiectasia syndrome (AT). Also called: ATAXIA-TELANGIECTASIA, COMPLEMENTATION GROUP A; ATAXIA-TELANGIECTASIA, FRESNO VARIANT; Ataxia-telangiectasia; Ataxia-telangiectasia, complementation group D; AT, COMPLEMENTATION GROUP C; Ataxia-telangiectasia, complementation group E. Identifiers: Orphanet 100, MedGen C0004135, MONDO:0008840, OMIM 208900.

Submission:

Labcorp Genetics (formerly Invitae), Labcorp
Classification: Uncertain significance for Ataxia-telangiectasia syndrome. Last evaluated: 2017-10-15. Review status: criteria provided, single submitter. Criteria: Invitae Variant Classification Sherloc (09022015). Collection method: clinical testing. Allele origin: germline.
Comment: This variant is not present in population databases (ExAC no frequency). This variant has not been reported in the literature in individuals with ATM-related disease. Algorithms developed to predict the effect of missense changes on protein structure and function do not agree on the potential impact of this missense change (SIFT: "Deleterious"; PolyPhen-2: "Benign"; Align-GVGD: "Class C0"). This sequence change replaces proline with arginine at codon 383 of the ATM protein (p.Pro383Arg). The proline residue is moderately conserved and there is a moderate physicochemical difference between proline and arginine. In summary, the available evidence is currently insufficient to determine the role of this variant in disease. Therefore, it has been classified as a Variant of Uncertain Significance.